The following is an entry in ClinVar:

ClinVar aggregate classification (germline): Benign. Review status: criteria provided, multiple submitters, no conflicts (2 of 4 stars). 4 submissions from 2 submitters: Benign (4). Last evaluated 2018-01-12.

Conditions:
Leber congenital amaurosis 7 (LCA7). Identifiers: Orphanet 65, MedGen C3151192, MONDO:0013449, OMIM 613829.
Retinitis pigmentosa (RP). Identifiers: Orphanet 791, MedGen C0035334, MeSH D012174, MONDO:0019200, OMIM 268000. Inheritance: Autosomal dominant, autosomal recessive and X linked inheritance.
Cone-rod dystrophy 2 (CORD2). Also called: CONE-ROD RETINAL DYSTROPHY; Cone-rod retinal dystrophy 2. Identifiers: Orphanet 1872, MedGen C3489532, MONDO:0007362, OMIM 120970.

Allele frequency attached by ClinVar (database versions not stated): 1000 Genomes Project 0.27616; 1000 Genomes Project 30x 0.28279; TOPMed 0.35047; gnomAD exomes 0.35061.
gnomAD v4.1: 53,802 of 152,694 alleles (35%); highest among the groups gnomAD compares: Non-Finnish European, 40%; 9,786 homozygotes.

Submissions (4):

Illumina Laboratory Services, Illumina
Classification: Benign for Leber congenital amaurosis 7. Last evaluated: 2018-01-12. Review status: criteria provided, single submitter. Criteria: ICSL Variant Classification Criteria 13 December 2019. Collection method: clinical testing. Allele origin: germline.
Comment: This variant was observed in the ICSL laboratory as part of a predisposition screen in an ostensibly healthy population. It had not been previously curated by ICSL or reported in the Human Gene Mutation Database (HGMD: prior to June 1st, 2018), and was therefore a candidate for classification through an automated scoring system. Utilizing variant allele frequency, disease prevalence and penetrance estimates, and inheritance mode, an automated score was calculated to assess if this variant is too frequent to cause the disease. Based on the score and internal cut-off values, a variant classified as benign is not then subjected to further curation. The score for this variant resulted in a classification of benign for this disease.

Illumina Laboratory Services, Illumina
Classification: Benign for Cone-rod dystrophy 2. Last evaluated: 2018-01-12. Review status: criteria provided, single submitter. Criteria: ICSL Variant Classification Criteria 13 December 2019. Collection method: clinical testing. Allele origin: germline.
Comment: the same text as in the submission from Illumina Laboratory Services, Illumina above.

Illumina Laboratory Services, Illumina
Classification: Benign for Retinitis pigmentosa. Last evaluated: 2018-01-12. Review status: criteria provided, single submitter. Criteria: ICSL Variant Classification Criteria 13 December 2019. Collection method: clinical testing. Allele origin: germline.
Comment: the same text as in the submission from Illumina Laboratory Services, Illumina above.

Breakthrough Genomics
Classification: Benign. Review status: criteria provided, single submitter. Criteria: ACMG Guidelines, 2015. Collection method: not provided. Allele origin: germline. Inheritance: Autosomal dominant inheritance. Affected: yes.

NM_000554.6(CRX):c.*591G>C

Gene: CRX (cone-rod homeobox; plus strand). Cytogenetic location: 19q13.33.
Variant type: single nucleotide variant.
Coding change: c.*591G>C on transcript NM_000554.6 (MANE Select); 591 bases downstream of the stop codon, G replaced by C.
Molecular consequence: 3 prime UTR variant.
Genome position (GRCh38, 1-based): chr19:47,840,558, G>C. VCF-style: chr19-47840558-G-C. GRCh37 (hg19) VCF-style: chr19-48343815-G-C.
Identifiers: ClinVar variation 329714 (VCV000329714.6), dbSNP rs3859430, ClinGen allele CA10643048.
Genomic context (GRCh38, chr19:47,840,558, plus strand): 5'-TTCACGCCATTCTCCTGCCTCAGCCTCCCGAGTAGCTGGGACTACAGATGCCCACCACCA[G>C]GCCCGGCTAATTTTTTTTGTATTTTTAGTAGAGACGGGGTTTCACCGTGTTAGCCAGGAT-3'